The following is an entry in ClinVar:

Conditions:
Breast-ovarian cancer, familial, susceptibility to, 1 (BROVCA1). Also called: BRCA1 Hereditary Breast and Ovarian Cancer; OVARIAN CANCER, SUSCEPTIBILITY TO. Identifiers: Orphanet 145, MedGen C2676676, MONDO:0011450, OMIM 604370. Disease mechanism: loss of function.

Submission:

Brotman Baty Institute, University of Washington
No classification provided (evidence only). Condition: Breast-ovarian cancer, familial 1. Review status: no classification provided. Collection method: in vitro. Allele origin: not applicable. Functional consequence: functionally_normal.
ClinVar note: "not provided" was previously submitted as the classification for the variant. However, the classification appeared to be based only on an observation of functional data so it was converted to no classification on 2025-07-30.

NM_007294.4(BRCA1):c.5180A>G (p.Lys1727Arg)

Gene: BRCA1 (BRCA1 DNA repair associated; minus strand). Cytogenetic location: 17q21.31.
Variant type: single nucleotide variant.
Coding change: c.5180A>G on transcript NM_007294.4 (MANE Select); coding-DNA position 5180, A replaced by G.
Protein change: p.Lys1727Arg; replaces lysine 1727 with arginine.
Molecular consequence: missense variant. On other transcripts: non-coding transcript variant (1).
Genome position (GRCh38, 1-based): chr17:43,063,346, T>C on the plus strand (A>G on the coding strand, the complement: BRCA1 is on the minus strand). VCF-style: chr17-43063346-T-C. GRCh37 (hg19) VCF-style: chr17-41215363-T-C.
Other names: c.1868A>G, p.Lys623Arg (NM_001408472.1, NM_007298.4, NM_007299.4 and 13 more transcripts); c.1865A>G, p.Lys622Arg (NM_001408473.1, NM_001408392.1, NM_001408396.1 and 8 more transcripts); c.1670A>G, p.Lys557Arg (NM_001408474.1); c.1667A>G, p.Lys556Arg (NM_001408475.1, NM_001408476.1); c.1658A>G, p.Lys553Arg (NM_001408491.1, NM_001408481.1, NM_001408482.1 and 5 more transcripts); c.1655A>G, p.Lys552Arg (NM_001408492.1, NM_001408493.1); c.1631A>G, p.Lys544Arg (NM_001408494.1); c.1625A>G, p.Lys542Arg (NM_001408495.1); and 72 more; short protein forms K1727R, K1680R, K623R, K1748R, K1616R, K1637R, K1655R, K1659R.
Identifiers: ClinVar variation 867446 (VCV000867446.3), dbSNP rs2051859511, ClinGen allele CA10591184.
Genomic context (GRCh38, chr17:43,063,346, plus strand): 5'-ATGACTGAATGAATATCTCTGGTTAGTTTGTAACATCAAGTACTTACCTCATTCAGCATT[T>C]TTCTTTCTTTAATAGACTGGGTCACCCCTAAAGAGATCATAGAAAAGACAGGTTACATAC-3'
Protein context (NP_009225.1, residues 1717-1737): FWVTQSIKER[Lys1727Arg]MLNEHDFEVR